The following is an entry in ClinVar:

ClinVar aggregate classification (germline): Uncertain significance. Review status: criteria provided, multiple submitters, no conflicts (2 of 4 stars). 2 submissions from 2 submitters: Uncertain significance (2). Last evaluated 2025-02-17.

Conditions:
Karyomegalic interstitial nephritis. Identifiers: Orphanet 401996, MedGen C3553774, MONDO:0013898, OMIM 614817.

Allele frequency attached by ClinVar (database versions not stated): gnomAD exomes 0.00002; ExAC 0.00006; ESP Exome Variant Server 0.00008; gnomAD 0.00018; TOPMed 0.00024; 1000 Genomes Project 0.00040; 1000 Genomes Project 30x 0.00047.
gnomAD v4.1: 52 of 1,614,018 alleles (0.0032%); highest among the groups gnomAD compares: African/African-American, 0.064%; no homozygotes.

Submissions (2):

Labcorp Genetics (formerly Invitae), Labcorp
Classification: Uncertain significance. Last evaluated: 2025-02-17. Review status: criteria provided, single submitter. Criteria: Invitae Variant Classification Sherloc (09022015). Collection method: clinical testing. Allele origin: germline.
Comment: This sequence change replaces valine, which is neutral and non-polar, with isoleucine, which is neutral and non-polar, at codon 189 of the FAN1 protein (p.Val189Ile). This variant is present in population databases (rs377089680, gnomAD 0.07%). This variant has not been reported in the literature in individuals affected with FAN1-related conditions. ClinVar contains an entry for this variant (Variation ID: 1981382). An algorithm developed to predict the effect of missense changes on protein structure and function outputs the following: PolyPhen-2: "Benign". The isoleucine amino acid residue is found in multiple mammalian species, which suggests that this missense change does not adversely affect protein function. In summary, the available evidence is currently insufficient to determine the role of this variant in disease. Therefore, it has been classified as a Variant of Uncertain Significance.

Fulgent Genetics
Classification: Uncertain significance for Karyomegalic interstitial nephritis. Last evaluated: 2024-06-05. Review status: criteria provided, single submitter. Criteria: ACMG Guidelines, 2015. Collection method: clinical testing. Allele origin: germline.

NM_014967.5(FAN1):c.565G>A (p.Val189Ile)

Gene: FAN1 (FANCD2 and FANCI associated nuclease 1; plus strand). Cytogenetic location: 15q13.3.
Variant type: single nucleotide variant.
Coding change: c.565G>A on transcript NM_014967.5 (MANE Select); coding-DNA position 565, G replaced by A.
Protein change: p.Val189Ile; replaces valine 189 with isoleucine.
Molecular consequence: missense variant.
Genome position (GRCh38, 1-based): chr15:30,905,228, G>A. VCF-style: chr15-30905228-G-A. GRCh37 (hg19) VCF-style: chr15-31197431-G-A.
Other names: c.565G>A, p.Val189Ile (NM_001146094.2, NM_001146095.1, NM_001146096.2); short protein forms V189I.
Identifiers: ClinVar variation 1981382 (VCV001981382.5), dbSNP rs377089680, ClinGen allele CA7450090.